The following is an entry in ClinVar:

ClinVar aggregate classification (germline): Uncertain significance. Review status: criteria provided, multiple submitters, no conflicts (2 of 4 stars). 2 submissions from 2 submitters: Uncertain significance (2). Last evaluated 2023-12-05.

Conditions:
Hereditary cancer-predisposing syndrome. Also called: Hereditary neoplastic syndrome; Tumor predisposition; Hereditary Cancer Syndrome; Neoplastic Syndromes, Hereditary. Identifiers: Orphanet 140162, MedGen C0027672, MeSH D009386, MONDO:0015356.

Submissions (2):

Color Diagnostics, LLC DBA Color Health
Classification: Uncertain significance for Hereditary cancer-predisposing syndrome. Last evaluated: 2023-12-05. Review status: criteria provided, single submitter. Criteria: ACMG Guidelines, 2015. Collection method: clinical testing. Allele origin: germline.
Comment: This missense variant replaces methionine with isoleucine at codon 335 of the STK11 protein. Computational prediction suggests that this variant may not impact protein structure and function (internally defined REVEL score threshold <= 0.5, PMID: 27666373). To our knowledge, functional studies have not been reported for this variant. This variant has not been reported in individuals affected with STK11-related disorders in the literature. This variant has not been identified in the general population by the Genome Aggregation Database (gnomAD). The available evidence is insufficient to determine the role of this variant in disease conclusively. Therefore, this variant is classified as a Variant of Uncertain Significance.

Ambry Genetics
Classification: Uncertain significance for Hereditary cancer-predisposing syndrome. Last evaluated: 2020-03-27. Review status: criteria provided, single submitter. Criteria: Ambry Variant Classification Scheme 2023. Collection method: clinical testing. Allele origin: germline.
Comment: The p.M335I variant (also known as c.1005G>A), located in coding exon 8 of the STK11 gene, results from a G to A substitution at nucleotide position 1005. The methionine at codon 335 is replaced by isoleucine, an amino acid with highly similar properties. This amino acid position is highly conserved in available vertebrate species. In addition, the in silico prediction for this alteration is inconclusive. Since supporting evidence is limited at this time, the clinical significance of this alteration remains unclear.

NM_000455.5(STK11):c.1005G>A (p.Met335Ile)

Genes: STK11 (serine/threonine kinase 11; plus strand), LOC130062899 (ATAC-STARR-seq lymphoblastoid active region 13597; plus strand). Cytogenetic location: 19p13.3.
Variant type: single nucleotide variant.
Coding change: c.1005G>A on transcript NM_000455.5 (MANE Select); coding-DNA position 1005, G replaced by A.
Protein change: p.Met335Ile; replaces methionine 335 with isoleucine.
Molecular consequence: missense variant.
Genome position (GRCh38, 1-based): chr19:1,223,069, G>A. VCF-style: chr19-1223069-G-A. GRCh37 (hg19) VCF-style: chr19-1223068-G-A.
Other names: short protein forms M335I.
Identifiers: ClinVar variation 492508 (VCV000492508.8), dbSNP rs1555739243, ClinGen allele CA402951685.
Genomic context (GRCh38, chr19:1,223,069, plus strand): 5'-GGCTGAAGCACCAGTGCCCATCCCACCGAGCCCAGACACCAAGGACCGGTGGCGCAGCAT[G>A]ACTGTGGTGCCGTACTTGGAGGACCTGCACGGCGCGGACGAGGACGAGGACCTCTTCGAC-3'
Protein context (NP_000446.1, residues 325-345): SPDTKDRWRS[Met335Ile]TVVPYLEDLH